The following is an entry in ClinVar:

NM_018908.3(PCDHA5):c.2352+25061G>A

Genes: PCDHA1 (protocadherin alpha 1; plus strand), PCDHA2 (protocadherin alpha 2; plus strand), PCDHA3 (protocadherin alpha 3; plus strand), PCDHA4 (protocadherin alpha 4; plus strand), PCDHA5 (protocadherin alpha 5; plus strand) and 5 more. Cytogenetic location: 5q31.3.
Variant type: single nucleotide variant.
Coding change: c.2352+25061G>A on transcript NM_018908.3 (MANE Select); 25061 bases into the intron after coding-DNA position 2352, G replaced by A.
Molecular consequence: intron variant. On other transcripts: synonymous variant (2).
Genome position (GRCh38, 1-based): chr5:140,849,188, G>A. VCF-style: chr5-140849188-G-A. GRCh37 (hg19) VCF-style: chr5-140228773-G-A.
Other names: c.693G>A, p.Thr231= (NM_014005.5, NM_031857.2); c.2394+60504G>A (NM_018900.4); c.1602+61296G>A (NM_031411.3); c.2388+51836G>A (NM_018905.3); c.2394+45597G>A (NM_018906.3); c.2385+39616G>A (NM_018907.4); c.2394+18703G>A (NM_018909.4); c.1602+19495G>A (NM_031849.3); and 2 more.
Identifiers: ClinVar variation 2655775 (VCV002655775.21), dbSNP rs375278605, ClinGen allele CA3450272.
Genomic context (GRCh38, chr5:140,849,188, plus strand): 5'-GCTCACGGCCACCGATGGAGGCAAACCCGAGCTGACTGGCACCGTTCAATTACTCATCAC[G>A]GTACTGGACAACAATGACAATGCCCCAGTGTTCGACAGAACCCTGTATACGGTGAAATTA-3'

ClinVar aggregate classification (germline): Likely benign (1 of 4 stars; one submission).

Allele frequency attached by ClinVar (database versions not stated): 1000 Genomes Project 30x 0.00141.

Submission:

CeGaT Center for Human Genetics Tuebingen
Classification: Likely benign. Last evaluated: 2026-02-01. Review status: criteria provided, single submitter. Criteria: CeGaT Center For Human Genetics Tuebingen Variant Classification Criteria Version 2. Collection method: clinical testing. Allele origin: germline. Affected: yes. Observed: 2 variant alleles.
Comment: PCDHA2: BS2; PCDHA3: BS2; PCDHA5: BS2; PCDHA7: BS2; PCDHA8: BS2